The following is an entry in ClinVar:

ClinVar aggregate classification (germline): Uncertain significance (1 of 4 stars; one submission).

Conditions:
Progressive sclerosing poliodystrophy (MTDPS4A). Also called: Mitochondrial DNA depletion syndrome 4A (Alpers type); ALPERS PROGRESSIVE INFANTILE POLIODYSTROPHY; NEURONAL DEGENERATION OF CHILDHOOD WITH LIVER DISEASE, PROGRESSIVE; Alpers Syndrome; ALPERS DIFFUSE DEGENERATION OF CEREBRAL GRAY MATTER WITH HEPATIC CIRRHOSIS; Alpers-Huttenlocher Syndrome. Identifiers: Orphanet 726, MedGen C0205710, MONDO:0008758, OMIM 203700.

Allele frequency attached by ClinVar (database versions not stated): gnomAD exomes below 0.00001; gnomAD 0.00001.
gnomAD v4.1: 5 of 1,614,010 alleles (0.00031%); highest among the groups gnomAD compares: African/African-American, 0.0013%; no homozygotes.

Submission:

Labcorp Genetics (formerly Invitae), Labcorp
Classification: Uncertain significance for Progressive sclerosing poliodystrophy. Last evaluated: 2025-09-24. Review status: criteria provided, single submitter. Criteria: Invitae Variant Classification Sherloc (09022015). Collection method: clinical testing. Allele origin: germline.
Comment: This sequence change replaces glutamine, which is neutral and polar, with glutamic acid, which is acidic and polar, at codon 540 of the POLG protein (p.Gln540Glu). This variant is not present in population databases (gnomAD no frequency). This variant has not been reported in the literature in individuals affected with POLG-related conditions. ClinVar contains an entry for this variant (Variation ID: 2202340). Invitae Evidence Modeling of protein sequence and biophysical properties (such as structural, functional, and spatial information, amino acid conservation, physicochemical variation, residue mobility, and thermodynamic stability) indicates that this missense variant is not expected to disrupt POLG protein function with a negative predictive value of 95%. In summary, the available evidence is currently insufficient to determine the role of this variant in disease. Therefore, it has been classified as a Variant of Uncertain Significance.

NM_002693.3(POLG):c.1618C>G (p.Gln540Glu)

Gene: POLG (DNA polymerase gamma, catalytic subunit; minus strand). Cytogenetic location: 15q26.1.
Variant type: single nucleotide variant.
Coding change: c.1618C>G on transcript NM_002693.3 (MANE Select); coding-DNA position 1618, C replaced by G.
Protein change: p.Gln540Glu; replaces glutamine 540 with glutamic acid.
Molecular consequence: missense variant.
Genome position (GRCh38, 1-based): chr15:89,326,706, G>C on the plus strand (C>G on the coding strand, the complement: POLG is on the minus strand). VCF-style: chr15-89326706-G-C. GRCh37 (hg19) VCF-style: chr15-89869937-G-C.
Other names: c.1618C>G, p.Gln540Glu (NM_001126131.2); short protein forms Q540E.
Identifiers: ClinVar variation 2202340 (VCV002202340.3), dbSNP rs1567190872, ClinGen allele CA393760614.